The following is an entry in ClinVar:

NM_001162501.2(TNRC6B):c.286C>T (p.Arg96Cys)

Gene: TNRC6B (trinucleotide repeat containing adaptor 6B; plus strand). Cytogenetic location: 22q13.1.
Variant type: single nucleotide variant.
Coding change: c.286C>T on transcript NM_001162501.2 (MANE Select); coding-DNA position 286, C replaced by T.
Protein change: p.Arg96Cys; replaces arginine 96 with cysteine.
Molecular consequence: missense variant.
Genome position (GRCh38, 1-based): chr22:40,262,002, C>T. VCF-style: chr22-40262002-C-T. GRCh37 (hg19) VCF-style: chr22-40658006-C-T.
Other names: c.394C>T, p.Arg132Cys (NM_001024843.2); c.286C>T, p.Arg96Cys (NM_015088.3); short protein forms R132C, R96C.
Identifiers: ClinVar variation 3370884 (VCV003370884.1).

ClinVar aggregate classification (germline): Uncertain significance (1 of 4 stars; one submission).

Submission:

GeneDx
Classification: Uncertain significance. Last evaluated: 2024-03-12. Review status: criteria provided, single submitter. Criteria: GeneDx Variant Classification Process June 2021. Collection method: clinical testing. Allele origin: germline. Affected: yes.
Comment: In silico analysis supports that this missense variant has a deleterious effect on protein structure/function; Has not been previously published as pathogenic or benign to our knowledge